The following is an entry in ClinVar:

NM_000051.4(ATM):c.6087C>T (p.Pro2029=)

Genes: ATM (ATM serine/threonine kinase; plus strand), C11orf65 (chromosome 11 open reading frame 65; minus strand). Cytogenetic location: 11q22.3.
Variant type: single nucleotide variant.
Coding change: c.6087C>T on transcript NM_000051.4 (MANE Select); coding-DNA position 6087, C replaced by T.
Protein change: p.Pro2029=; no amino-acid change (proline 2029 retained).
Molecular consequence: synonymous variant. On other transcripts: intron variant (2).
Genome position (GRCh38, 1-based): chr11:108,315,903, C>T. VCF-style: chr11-108315903-C-T. GRCh37 (hg19) VCF-style: chr11-108186630-C-T.
Other names: c.6087C>T, p.Pro2029= (NM_001351834.2); c.641-6832G>A (NM_001330368.2); c.*39-6832G>A (NM_001351110.2).
Identifiers: ClinVar variation 414618 (VCV000414618.20), dbSNP rs1060504316, ClinGen allele CA16613400.

ClinVar aggregate classification (germline): Benign/Likely benign. Review status: criteria provided, multiple submitters, no conflicts (2 of 4 stars). 7 submissions from 7 submitters: Benign (1); Likely benign (6). Last evaluated 2025-12-20.

Conditions:
Hereditary cancer-predisposing syndrome. Also called: Neoplastic Syndromes, Hereditary; Hereditary Cancer Syndrome; Tumor predisposition; Hereditary neoplastic syndrome. Identifiers: Orphanet 140162, MedGen C0027672, MeSH D009386, MONDO:0015356.
Familial cancer of breast. Also called: Hereditary breast cancer; BREAST CANCER, FAMILIAL; hereditary breast carcinoma. Identifiers: Orphanet 227535, MedGen C0346153, MONDO:0016419, OMIM 114480. Disease mechanism: loss of function.
Ataxia-telangiectasia syndrome (AT). Also called: LOUIS-BAR SYNDROME; Cerebello-oculocutaneous telangiectasia; Immunodeficiency with ataxia telangiectasia; Ataxia-telangiectasia, complementation group D; AT, COMPLEMENTATION GROUP C; Ataxia-telangiectasia, complementation group E. Identifiers: Orphanet 100, MedGen C0004135, MONDO:0008840, OMIM 208900.

Allele frequency attached by ClinVar (database versions not stated): gnomAD exomes below 0.00001; TOPMed below 0.00001.
gnomAD v4.1: 6 of 1,610,802 alleles (0.00037%); highest among the groups gnomAD compares: East Asian, 0.0045%; no homozygotes.

Submissions (7):

Labcorp Genetics (formerly Invitae), Labcorp
Classification: Likely benign for Ataxia-telangiectasia syndrome. Last evaluated: 2025-12-20. Review status: criteria provided, single submitter. Criteria: Invitae Variant Classification Sherloc (09022015). Collection method: clinical testing. Allele origin: germline.

Myriad Genetics, Inc.
Classification: Benign for Familial cancer of breast. Last evaluated: 2024-05-30. Review status: criteria provided, single submitter. Criteria: Myriad Autosomal Dominant, Autosomal Recessive and X-Linked Classification Criteria (2023). Collection method: clinical testing. Allele origin: unknown.
Comment: This variant is considered benign. This variant is a silent/synonymous amino acid change and it is not expected to impact splicing.

Sema4
Classification: Likely benign for Hereditary cancer-predisposing syndrome. Last evaluated: 2021-09-11. Review status: criteria provided, single submitter. Criteria: Sema4 Curation Guidelines. Collection method: curation. Allele origin: germline.

Women's Health and Genetics/Laboratory Corporation of America, LabCorp
Classification: Likely benign. Last evaluated: 2019-09-20. Review status: criteria provided, single submitter. Criteria: LabCorp Variant Classification Summary - May 2015. Collection method: clinical testing. Allele origin: germline.

Ambry Genetics
Classification: Likely benign for Hereditary cancer-predisposing syndrome. Last evaluated: 2019-06-18. Review status: criteria provided, single submitter. Criteria: Ambry Variant Classification Scheme 2023. Collection method: clinical testing. Allele origin: germline.

GeneDx
Classification: Likely benign. Last evaluated: 2018-01-18. Review status: criteria provided, single submitter. Criteria: GeneDx Variant Classification (06012015). Collection method: clinical testing. Allele origin: germline. Affected: yes.
Comment: This variant is considered likely benign or benign based on one or more of the following criteria: it is a conservative change, it occurs at a poorly conserved position in the protein, it is predicted to be benign by multiple in silico algorithms, and/or has population frequency not consistent with disease.

Color Diagnostics, LLC DBA Color Health
Classification: Likely benign for Hereditary cancer-predisposing syndrome. Last evaluated: 2017-09-08. Review status: criteria provided, single submitter. Criteria: ACMG Guidelines, 2015. Collection method: clinical testing. Allele origin: germline.